The following is an entry in ClinVar:

NM_031844.3(HNRNPU):c.176G>A (p.Ser59Asn)

Gene: HNRNPU (heterogeneous nuclear ribonucleoprotein U; minus strand). Cytogenetic location: 1q44.
Variant type: single nucleotide variant.
Coding change: c.176G>A on transcript NM_031844.3 (MANE Select); coding-DNA position 176, G replaced by A.
Protein change: p.Ser59Asn; replaces serine 59 with asparagine.
Molecular consequence: missense variant.
Genome position (GRCh38, 1-based): chr1:244,864,132, C>T on the plus strand (G>A on the coding strand, the complement: HNRNPU is on the minus strand). VCF-style: chr1-244864132-C-T. GRCh37 (hg19) VCF-style: chr1-245027434-C-T.
Other names: c.176G>A, p.Ser59Asn (NM_004501.3); short protein forms S59N.
Identifiers: ClinVar variation 1995191 (VCV001995191.4), dbSNP rs2527896002, ClinGen allele CA345497786.

ClinVar aggregate classification (germline): Uncertain significance (1 of 4 stars; one submission).

Conditions:
Developmental and epileptic encephalopathy, 54. Also called: HNRNPU-Related Neurodevelopmental Disorder; Epileptic encephalopathy, early infantile, 54. Identifiers: MedGen C4479319, MONDO:0033363, OMIM 617391.

Submission:

Labcorp Genetics (formerly Invitae), Labcorp
Classification: Uncertain significance for Developmental and epileptic encephalopathy, 54. Last evaluated: 2022-09-07. Review status: criteria provided, single submitter. Criteria: Invitae Variant Classification Sherloc (09022015). Collection method: clinical testing. Allele origin: germline.
Comment: This variant has not been reported in the literature in individuals affected with HNRNPU-related conditions. In summary, the available evidence is currently insufficient to determine the role of this variant in disease. Therefore, it has been classified as a Variant of Uncertain Significance. Algorithms developed to predict the effect of missense changes on protein structure and function (SIFT, PolyPhen-2, Align-GVGD) all suggest that this variant is likely to be tolerated. This variant is not present in population databases (gnomAD no frequency). This sequence change replaces serine, which is neutral and polar, with asparagine, which is neutral and polar, at codon 59 of the HNRNPU protein (p.Ser59Asn).